The following is an entry in ClinVar:

NM_153240.5(NPHP3):c.3466G>T (p.Glu1156Ter)

Genes: NPHP3 (nephrocystin 3; minus strand), NPHP3-ACAD11 (NPHP3-ACAD11 readthrough (NMD candidate); minus strand). Cytogenetic location: 3q22.1.
Variant type: single nucleotide variant.
Coding change: c.3466G>T on transcript NM_153240.5 (MANE Select); coding-DNA position 3466, G replaced by T.
Protein change: p.Glu1156Ter; replaces glutamic acid 1156 with a stop codon.
Molecular consequence: nonsense. On other transcripts: non-coding transcript variant (1).
Genome position (GRCh38, 1-based): chr3:132,684,658, C>A on the plus strand (G>T on the coding strand, the complement: NPHP3 is on the minus strand). VCF-style: chr3-132684658-C-A. GRCh37 (hg19) VCF-style: chr3-132403502-C-A.
Other names: short protein forms E1156*.
Identifiers: ClinVar variation 2584826 (VCV002584826.1), dbSNP rs2530380429, ClinGen allele CA354578941.
Genomic context (GRCh38, chr3:132,684,658, plus strand): 5'-AAGAAGGGTGATCAGGAGCTAATGCACGTCTCCGAATATCTAAAGCTCTTTCATAAAGTT[C>A]TTCTGCTTTATCATACTGTTTCTTTTCATTGCATAGAGCTGCCAGATTATTCAAAGACTG-3'

ClinVar aggregate classification (germline): Likely pathogenic (1 of 4 stars; one submission).

Conditions:
Renal-hepatic-pancreatic dysplasia 1 (RHPD1). Identifiers: MedGen C3715199, MONDO:0008833, OMIM 208540.

Allele frequency attached by ClinVar (database versions not stated): gnomAD exomes 0.00001.
gnomAD v4.1: 3 of 1,614,052 alleles (0.00019%); highest among the groups gnomAD compares: South Asian, 0.0011%; no homozygotes.

Submission:

Neuberg Centre For Genomic Medicine, NCGM
Classification: Likely pathogenic for Renal-hepatic-pancreatic dysplasia 1. Review status: criteria provided, single submitter. Criteria: ACMG Guidelines, 2015. Collection method: clinical testing. Allele origin: germline. Inheritance: Autosomal recessive inheritance. Affected: yes.
Comment: The c.3466G>T (p.Glu1156Ter) stop gained variant in NPHP3 gene has not been reported previously as a pathogenic variant nor as a benign variant, to our knowledge. The p.Glu1156Ter variant is novel (not in any individuals) in gnomAD Exomes and is novel (not in any individuals) in 1000 Genomes. The nucleotide change c.3466G>T in NPHP3 is predicted as conserved by GERP++ and PhyloP across 100 vertebrates. This variant is predicted to cause loss of normal protein function through protein truncation. Loss of function variants have been previously reported to be disease causing. For these reasons, this variant has been classified as Likely Pathogenic.